The following is an entry in ClinVar:

NM_000264.5(PTCH1):c.3997C>T (p.Pro1333Ser)

Gene: PTCH1 (patched 1; minus strand). Cytogenetic location: 9q22.32.
Variant type: single nucleotide variant.
Coding change: c.3997C>T on transcript NM_000264.5 (MANE Select); coding-DNA position 3997, C replaced by T.
Protein change: p.Pro1333Ser; replaces proline 1333 with serine.
Molecular consequence: missense variant. On other transcripts: non-coding transcript variant (1).
Genome position (GRCh38, 1-based): chr9:95,447,259, G>A on the plus strand (C>T on the coding strand, the complement: PTCH1 is on the minus strand). VCF-style: chr9-95447259-G-A. GRCh37 (hg19) VCF-style: chr9-98209541-G-A.
Other names: c.3799C>T, p.Pro1267Ser (NM_001083602.3); c.3994C>T, p.Pro1332Ser (NM_001083603.3); c.3544C>T, p.Pro1182Ser (NM_001083604.3, NM_001083605.3, NM_001083606.3 and 1 more transcripts); c.3841C>T, p.Pro1281Ser (NM_001354918.2); short protein forms P1182S, P1267S, P1281S, P1332S, P1333S.
Identifiers: ClinVar variation 2564411 (VCV002564411.2), dbSNP rs1160872643, ClinGen allele CA374110509.

ClinVar aggregate classification (germline): Uncertain significance (1 of 4 stars; one submission).

Conditions:
Hereditary cancer-predisposing syndrome. Also called: Neoplastic Syndromes, Hereditary; Hereditary Cancer Syndrome; Hereditary neoplastic syndrome; Tumor predisposition. Identifiers: Orphanet 140162, MedGen C0027672, MeSH D009386, MONDO:0015356.

Allele frequency attached by ClinVar (database versions not stated): gnomAD exomes below 0.00001.
gnomAD v4.1: 1 of 1,612,970 alleles (0.000062%); highest among the groups gnomAD compares: East Asian, 0.0022%; no homozygotes.

Submission:

Ambry Genetics
Classification: Uncertain significance for Hereditary cancer-predisposing syndrome. Last evaluated: 2023-06-07. Review status: criteria provided, single submitter. Criteria: Ambry Variant Classification Scheme 2023. Collection method: clinical testing. Allele origin: germline.
Comment: The p.P1333S variant (also known as c.3997C>T), located in coding exon 23 of the PTCH1 gene, results from a C to T substitution at nucleotide position 3997. The proline at codon 1333 is replaced by serine, an amino acid with similar properties. This amino acid position is conserved. In addition, the in silico prediction for this alteration is inconclusive. Since supporting evidence is limited at this time, the clinical significance of this alteration remains unclear.